The following is an entry in ClinVar:

NM_001754.5(RUNX1):c.508+275T>G

Genes: RUNX1 (RUNX family transcription factor 1; minus strand), RUNX1-AS1 (RUNX1 antisense RNA 1; plus strand). Cytogenetic location: 21q22.12.
Variant type: single nucleotide variant.
Coding change: c.508+275T>G on transcript NM_001754.5 (MANE Select); 275 bases into the intron after coding-DNA position 508, T replaced by G.
Molecular consequence: intron variant.
Genome position (GRCh38, 1-based): chr21:34,880,282, A>C on the plus strand (T>G on the coding strand, the complement: RUNX1 is on the minus strand). VCF-style: chr21-34880282-A-C. GRCh37 (hg19) VCF-style: chr21-36252579-A-C.
Other names: c.427+275T>G (NM_001001890.3, NM_001122607.2).
Identifiers: ClinVar variation 1178133 (VCV001178133.3), dbSNP rs75181041, ClinGen allele CA320637507.

ClinVar aggregate classification (germline): Benign. Review status: reviewed by expert panel (3 of 4 stars). 2 submissions from 2 submitters: Benign (1). 1 of the submissions does not count toward it. Last evaluated 2023-11-13.

Conditions:
Hereditary thrombocytopenia and hematologic cancer predisposition syndrome. Identifiers: Orphanet 71290, MedGen CN281654, MONDO:0011071.

Allele frequency attached by ClinVar (database versions not stated): gnomAD 0.01046 and 0.01122; TOPMed 0.01143; 1000 Genomes Project 0.01278; 1000 Genomes Project 30x 0.01312.
gnomAD v4.1: 1,578 of 152,320 alleles (1%); highest among the groups gnomAD compares: African/African-American, 3.6%; 32 homozygotes.

Submissions (2):

ClinGen Myeloid Malignancy Variant Curation Expert Panel
Classification: Benign for Hereditary thrombocytopenia and hematologic cancer predisposition syndrome. Last evaluated: 2023-11-13. Review status: reviewed by expert panel. Criteria: ClinGen MyeloMalig ACMG Specifications v2. Collection method: curation. Allele origin: germline. Inheritance: Autosomal dominant inheritance.
Comment: NM_001754.5(RUNX1):c.508+275T>G is an intronic variant with no predicted splice effect. MAF of 0.03675 (3.675%, 320/8708 alleles) in the African/African American subpopulation of the gnomADv2.1.1 cohort is >= 0.0015 (0.15%) (BA1). Variant observed in homozygous state (2) in gnomAD v2.1.1 (BP2). In summary, this variant meets criteria to be classified as benign. ACMG/AMP criteria applied, as specified by the Myeloid Malignancy Variant Curation Expert Panel for RUNX1: BA1, BP2

GeneDx
Classification: Likely benign. Last evaluated: 2019-06-10. Review status: criteria provided, single submitter. Criteria: GeneDx Variant Classification Process June 2021. Collection method: clinical testing. Allele origin: germline. Affected: yes. Not counted in ClinVar's aggregate classification.